The following is an entry in ClinVar:

NM_012324.6(MAPK8IP2):c.366dup (p.Pro123fs)

Gene: MAPK8IP2 (mitogen-activated protein kinase 8 interacting protein 2; plus strand). Cytogenetic location: 22q13.33.
Variant type: Duplication.
Coding change: c.366dup on transcript NM_012324.6 (MANE Select); coding-DNA position 366, one base duplicated (G; older notation c.366dupG).
Protein change: p.Pro123fs; shifts the reading frame from proline 123.
Molecular consequence: frameshift variant.
Genome position (GRCh38, 1-based): chr22:50,603,417, G duplicated; the last of 3 consecutive G bases (chr22:50,603,415-50,603,417); duplicating any one gives the same sequence. VCF-style (leftmost placement, unchanged base first): chr22-50603414-C-CG. GRCh37 (hg19) VCF-style: chr22-51041843-C-CG.
Other names: short protein forms P123fs.
Identifiers: ClinVar variation 4993755 (VCV004993755.1).

ClinVar aggregate classification (germline): Uncertain significance (1 of 4 stars; one submission).

Conditions:
MAPK8IP2-related condition.

Submission:

PreventionGenetics, part of Exact Sciences
Classification: Uncertain significance for MAPK8IP2-related condition. Last evaluated: 2025-11-06. Review status: criteria provided, single submitter. Criteria: ACMG Guidelines, 2015. Collection method: clinical testing. Allele origin: germline.
Comment: The MAPK8IP2 c.366dupG variant is predicted to result in a frameshift and premature protein termination (p.Pro123Alafs*37). To our knowledge, this variant has not been reported in the literature or in a large population database (gnomAD), indicating this variant is rare. At this time, the clinical significance of this variant is uncertain due to the absence of conclusive functional and genetic evidence.